The following is an entry in ClinVar:

NM_001009944.3(PKD1):c.9202-1G>A

Gene: PKD1 (polycystin 1, transient receptor potential channel interacting; minus strand). Cytogenetic location: 16p13.3.
Variant type: single nucleotide variant.
Coding change: c.9202-1G>A on transcript NM_001009944.3 (MANE Select); the canonical splice acceptor site of the intron before coding-DNA position 9202, G replaced by A.
Molecular consequence: splice acceptor variant.
Genome position (GRCh38, 1-based): chr16:2,102,257, C>T on the plus strand (G>A on the coding strand, the complement: PKD1 is on the minus strand). VCF-style: chr16-2102257-C-T. GRCh37 (hg19) VCF-style: chr16-2152258-C-T.
Other names: c.9202-1G>A (NM_000296.4).
Identifiers: ClinVar variation 1333533 (VCV001333533.1), dbSNP rs2151748829, ClinGen allele CA394358356.

ClinVar aggregate classification (germline): Likely pathogenic (1 of 4 stars; one submission).

Conditions:
Polycystic kidney disease, adult type (PKD1). Also called: Polycystic Kidney, Autosomal Dominant; POLYCYSTIC KIDNEY DISEASE, ADULT, TYPE I; Polycystic Kidney Disease 1, Autosomal Dominant; Polycystic kidney disease 1; Polycystic kidney disease 1, severe; POLYCYSTIC KIDNEY DISEASE 1 WITH OR WITHOUT POLYCYSTIC LIVER DISEASE. Identifiers: MedGen C3149841, MONDO:0008263, OMIM 173900.

Submission:

3billion
Classification: Likely pathogenic for Polycystic kidney disease, adult type. Last evaluated: 2022-01-03. Review status: criteria provided, single submitter. Criteria: ACMG Guidelines, 2015. Collection method: clinical testing. Allele origin: germline. Affected: yes. Observed: 1 heterozygote.
Comment: Canonical splice site: predicted to alter splicing and result in a loss or disruption of normal protein function through protein truncation. Multiple pathogenic variants are reported in the predicted truncated region (PVS1_VS).It is not observed in the gnomAD v2.1.1 dataset (PM2_M). Therefore, this variant is classified as likely pathogenic according to the recommendation of ACMG/AMP guideline.